The following is an entry in ClinVar:

ClinVar aggregate classification (germline): Uncertain significance (1 of 4 stars; one submission).

Conditions:
Autosomal recessive severe congenital neutropenia due to CSF3R deficiency. Also called: Neutropenia, severe congenital, 7, autosomal recessive. Identifiers: Orphanet 420702, MedGen C4310764, MONDO:0014865, OMIM 617014.

Submission:

Labcorp Genetics (formerly Invitae), Labcorp
Classification: Uncertain significance for Autosomal recessive severe congenital neutropenia due to CSF3R deficiency. Last evaluated: 2024-06-06. Review status: criteria provided, single submitter. Criteria: Invitae Variant Classification Sherloc (09022015). Collection method: clinical testing. Allele origin: germline.
Comment: This sequence change replaces threonine, which is neutral and polar, with isoleucine, which is neutral and non-polar, at codon 136 of the CSF3R protein (p.Thr136Ile). This variant is not present in population databases (gnomAD no frequency). This variant has not been reported in the literature in individuals affected with CSF3R-related conditions. Advanced modeling of protein sequence and biophysical properties (such as structural, functional, and spatial information, amino acid conservation, physicochemical variation, residue mobility, and thermodynamic stability) performed at Invitae indicates that this missense variant is expected to disrupt CSF3R protein function with a positive predictive value of 80%. In summary, the available evidence is currently insufficient to determine the role of this variant in disease. Therefore, it has been classified as a Variant of Uncertain Significance.

NM_000760.4(CSF3R):c.407C>T (p.Thr136Ile)

Gene: CSF3R (colony stimulating factor 3 receptor; minus strand). Cytogenetic location: 1p34.3.
Variant type: single nucleotide variant.
Coding change: c.407C>T on transcript NM_000760.4 (MANE Select); coding-DNA position 407, C replaced by T.
Protein change: p.Thr136Ile; replaces threonine 136 with isoleucine.
Molecular consequence: missense variant.
Genome position (GRCh38, 1-based): chr1:36,473,842, G>A on the plus strand (C>T on the coding strand, the complement: CSF3R is on the minus strand). VCF-style: chr1-36473842-G-A. GRCh37 (hg19) VCF-style: chr1-36939443-G-A.
Other names: c.407C>T, p.Thr136Ile (NM_156039.3, NM_172313.3); short protein forms T136I.
Identifiers: ClinVar variation 3655819 (VCV003655819.2).